The following is an entry in ClinVar:

ClinVar aggregate classification (germline): Uncertain significance (1 of 4 stars; one submission).

Conditions:
Cardiovascular phenotype. Identifiers: MedGen CN230736.

Submission:

Ambry Genetics
Classification: Uncertain significance for Cardiovascular phenotype. Last evaluated: 2025-03-25. Review status: criteria provided, single submitter. Criteria: Ambry Variant Classification Scheme 2023. Collection method: clinical testing. Allele origin: germline.
Comment: The p.A183T variant (also known as c.547G>A), located in coding exon 4 of the EPHB4 gene, results from a G to A substitution at nucleotide position 547. The alanine at codon 183 is replaced by threonine, an amino acid with similar properties. This amino acid position is conserved. In addition, this alteration is predicted to be tolerated by in silico analysis. Based on the available evidence, the clinical significance of this variant remains unclear.

NM_004444.5(EPHB4):c.547G>A (p.Ala183Thr)

Gene: EPHB4 (EPH receptor B4; minus strand). Cytogenetic location: 7q22.1.
Variant type: single nucleotide variant.
Coding change: c.547G>A on transcript NM_004444.5 (MANE Select); coding-DNA position 547, G replaced by A.
Protein change: p.Ala183Thr; replaces alanine 183 with threonine.
Molecular consequence: missense variant.
Genome position (GRCh38, 1-based): chr7:100,822,532, C>T on the plus strand (G>A on the coding strand, the complement: EPHB4 is on the minus strand). VCF-style: chr7-100822532-C-T. GRCh37 (hg19) VCF-style: chr7-100420154-C-T.
Other names: short protein forms A183T.
Identifiers: ClinVar variation 4018798 (VCV004018798.1).
Genomic context (GRCh38, chr7:100,822,532, plus strand): 5'-TCACAGTCAGCTGGGCGCACTTTTTGTAGAAGAGGTGCAGGGATAGCAGGGCCATGCAGG[C>T]ACCCTGGTCCTGGAAGGCCAGGTAGAAGCCAGCCTTGCTGAGCGGTCCCAGACGCAGCGT-3'
Protein context (NP_004435.3, residues 173-193): GFYLAFQDQG[Ala183Thr]CMALLSLHLF